The following is an entry in ClinVar:

NM_024422.6(DSC2):c.929A>G (p.Gln310Arg)

Gene: DSC2 (desmocollin 2; minus strand). Cytogenetic location: 18q12.1.
Variant type: single nucleotide variant.
Coding change: c.929A>G on transcript NM_024422.6 (MANE Select); coding-DNA position 929, A replaced by G.
Protein change: p.Gln310Arg; replaces glutamine 310 with arginine.
Molecular consequence: missense variant.
Genome position (GRCh38, 1-based): chr18:31,086,589, T>C on the plus strand (A>G on the coding strand, the complement: DSC2 is on the minus strand). VCF-style: chr18-31086589-T-C. GRCh37 (hg19) VCF-style: chr18-28666552-T-C.
Other names: c.500A>G, p.Gln167Arg (NM_001406506.1, NM_001406507.1); c.929A>G, p.Gln310Arg (NM_004949.5); short protein forms Q167R, Q310R.
Identifiers: ClinVar variation 2504908 (VCV002504908.4), dbSNP rs2510951122, ClinGen allele CA402111765.
Genomic context (GRCh38, chr18:31,086,589, plus strand): 5'-TATTGAATAGCCACGTTATAATCAGGTTTTATTAATGTTTATGTTACCTCTCTGTCTAGC[T>C]GAGATGATGTTGTGGTGATCACGCCTGTAGTTGGATGCATAGAAAATAGGGTGGGTGATG-3'
Protein context (NP_077740.1, residues 300-320): TTGVITTTSS[Gln310Arg]LDRELIDKYQ

ClinVar aggregate classification (germline): Uncertain significance. Review status: criteria provided, multiple submitters, no conflicts (2 of 4 stars). 2 submissions from 2 submitters: Uncertain significance (2). Last evaluated 2023-03-10.

Conditions:
Arrhythmogenic right ventricular dysplasia 11. Also called: Arrhythmogenic Right Ventricular Dysplasia/Cardiomyopathy11; ARRHYTHMOGENIC RIGHT VENTRICULAR DYSPLASIA, FAMILIAL, 11; Arrhythmogenic right ventricular dysplasia 11 with mild palmoplantar keratoderma and woolly hair. Identifiers: MedGen C1864850, MONDO:0012506, OMIM 610476.

Submissions (2):

Labcorp Genetics (formerly Invitae), Labcorp
Classification: Uncertain significance for Arrhythmogenic right ventricular dysplasia 11. Last evaluated: 2023-03-10. Review status: criteria provided, single submitter. Criteria: Invitae Variant Classification Sherloc (09022015). Collection method: clinical testing. Allele origin: germline.
Comment: This sequence change replaces glutamine, which is neutral and polar, with arginine, which is basic and polar, at codon 310 of the DSC2 protein (p.Gln310Arg). This variant is not present in population databases (gnomAD no frequency). This variant has not been reported in the literature in individuals affected with DSC2-related conditions. Advanced modeling of protein sequence and biophysical properties (such as structural, functional, and spatial information, amino acid conservation, physicochemical variation, residue mobility, and thermodynamic stability) performed at Invitae indicates that this missense variant is not expected to disrupt DSC2 protein function. In summary, the available evidence is currently insufficient to determine the role of this variant in disease. Therefore, it has been classified as a Variant of Uncertain Significance.

GeneDx
Classification: Uncertain significance. Last evaluated: 2023-02-15. Review status: criteria provided, single submitter. Criteria: GeneDx Variant Classification Process June 2021. Collection method: clinical testing. Allele origin: germline. Affected: yes.
Comment: Has not been previously published as pathogenic or benign to our knowledge; Not observed at significant frequency in large population cohorts (gnomAD); In silico analysis supports that this missense variant does not alter protein structure/function